The following is an entry in ClinVar:

ClinVar aggregate classification (germline): Uncertain significance. Review status: criteria provided, multiple submitters, no conflicts (2 of 4 stars). 2 submissions from 2 submitters: Uncertain significance (2). Last evaluated 2024-04-16.

Conditions:
Spastic paraplegia. Identifiers: MedGen C0037772, HP:0001258.

Submissions (2):

Labcorp Genetics (formerly Invitae), Labcorp
Classification: Uncertain significance for Spastic paraplegia. Last evaluated: 2024-04-16. Review status: criteria provided, single submitter. Criteria: Invitae Variant Classification Sherloc (09022015). Collection method: clinical testing. Allele origin: germline.
Comment: This sequence change replaces glutamic acid, which is acidic and polar, with aspartic acid, which is acidic and polar, at codon 40 of the SLC16A2 protein (p.Glu40Asp). This variant is not present in population databases (gnomAD no frequency). This variant has not been reported in the literature in individuals affected with SLC16A2-related conditions. Advanced modeling of protein sequence and biophysical properties (such as structural, functional, and spatial information, amino acid conservation, physicochemical variation, residue mobility, and thermodynamic stability) has been performed at Invitae for this missense variant, however the output from this modeling did not meet the statistical confidence thresholds required to predict the impact of this variant on SLC16A2 protein function. In summary, the available evidence is currently insufficient to determine the role of this variant in disease. Therefore, it has been classified as a Variant of Uncertain Significance.

GeneDx
Classification: Uncertain significance. Last evaluated: 2023-08-02. Review status: criteria provided, single submitter. Criteria: GeneDx Variant Classification Process June 2021. Collection method: clinical testing. Allele origin: germline. Affected: yes.
Comment: Not observed at significant frequency in large population cohorts (gnomAD); In silico analysis supports that this missense variant does not alter protein structure/function; Has not been previously published as pathogenic or benign to our knowledge

NM_006517.5(SLC16A2):c.120G>T (p.Glu40Asp)

Gene: SLC16A2 (solute carrier family 16 member 2; plus strand). Cytogenetic location: Xq13.2.
Variant type: single nucleotide variant.
Coding change: c.120G>T on transcript NM_006517.5 (MANE Select); coding-DNA position 120, G replaced by T.
Protein change: p.Glu40Asp; replaces glutamic acid 40 with aspartic acid.
Molecular consequence: missense variant.
Genome position (GRCh38, 1-based): chrX:74,421,757, G>T. VCF-style: chrX-74421757-G-T. GRCh37 (hg19) VCF-style: chrX-73641592-G-T.
Other names: c.120G>T (NM_006517.4); short protein forms E40D.
Identifiers: ClinVar variation 2776369 (VCV002776369.4), dbSNP rs758082760, ClinGen allele CA413655821.